The following is an entry in ClinVar:

ClinVar aggregate classification (germline): Conflicting classifications of pathogenicity. Review status: criteria provided, conflicting classifications (1 of 4 stars). 10 submissions from 10 submitters: Uncertain significance (6); Likely benign (4). Last evaluated 2026-08-10.

Conditions:
TTN-related disorder. Also called: TTN-related condition; TTN-related disease; TTN-related disorders.
Dilated cardiomyopathy 1G (CMD1G). Identifiers: Orphanet 154, MedGen C1858763, MONDO:0011400, OMIM 604145.
Autosomal recessive limb-girdle muscular dystrophy type 2J (LGMDR10). Also called: Limb-girdle muscular dystrophy, type 2J; MUSCULAR DYSTROPHY, LIMB-GIRDLE, AUTOSOMAL RECESSIVE 10. Identifiers: Orphanet 140922, MedGen C1837342, MONDO:0012127, OMIM 608807.
Hypertrophic cardiomyopathy 9. Also called: Familial hypertrophic cardiomyopathy 9. Identifiers: MedGen C1861065, MONDO:0013412, OMIM 613765.

Allele frequency attached by ClinVar (database versions not stated): ExAC 0.00008; TOPMed 0.00009; gnomAD 0.00014 and 0.00015.
gnomAD v4.1: 151 of 1,612,908 alleles (0.0094%); highest among the groups gnomAD compares: Admixed American, 0.022%; no homozygotes.

Submissions (10):

PreventionGenetics, part of Exact Sciences
Classification: Uncertain significance for TTN-related condition. Last evaluated: 2026-08-10. Review status: criteria provided, single submitter. Criteria: ACMG Guidelines, 2015. Collection method: clinical testing. Allele origin: germline.
Comment: The TTN c.14869A>C variant is predicted to result in the amino acid substitution p.Thr4957Pro. This variant has been reported in an individual from an exome sequencing cohort where limited clinical details were provided (referred to as c.11137A>C, p.Thr3713Pro in transcript NM_133378, Supplementary Table 3, Ng et al. 2013. PubMed ID: 23861362). This variant is reported in 0.029% of alleles in individuals of Ashkenazi Jewish descent in gnomAD. Although we suspect that this variant may be benign, at this time, the clinical significance of this variant is uncertain due to the absence of conclusive functional and genetic evidence.

Molecular Diagnostic Laboratory for Inherited Cardiovascular Disease, Montreal Heart Institute
Classification: Likely benign. Last evaluated: 2025-04-09. Review status: criteria provided, single submitter. Criteria: ACMG Guidelines, 2015. Collection method: clinical testing. Allele origin: germline. Affected: no.

CeGaT Center for Human Genetics Tuebingen
Classification: Likely benign. Last evaluated: 2025-02-01. Review status: criteria provided, single submitter. Criteria: CeGaT Center For Human Genetics Tuebingen Variant Classification Criteria Version 2. Collection method: clinical testing. Allele origin: germline. Affected: yes. Observed: 1 variant allele.
Comment: TTN: BP4

Women's Health and Genetics/Laboratory Corporation of America, LabCorp
Classification: Uncertain significance. Last evaluated: 2024-01-08. Review status: criteria provided, single submitter. Criteria: LabCorp Variant Classification Summary - May 2015. Collection method: clinical testing. Allele origin: germline.

Blueprint Genetics
Classification: Likely benign. Last evaluated: 2023-11-08. Review status: criteria provided, single submitter. Criteria: ACMG Guidelines, 2015. Collection method: clinical testing. Allele origin: germline.

New York Genome Center
Classification: Uncertain significance for Hypertrophic cardiomyopathy 9; Dilated cardiomyopathy 1G. Last evaluated: 2023-06-02. Review status: criteria provided, single submitter. Criteria: NYGC Assertion Criteria 2020. Collection method: clinical testing. Allele origin: germline. Observed: 1 heterozygote.

Revvity Omics, Revvity
Classification: Uncertain significance. Last evaluated: 2022-07-01. Review status: criteria provided, single submitter. Criteria: ACMG Guidelines, 2015. Collection method: clinical testing. Allele origin: germline.

GeneDx
Classification: Likely benign. Last evaluated: 2019-04-09. Review status: criteria provided, single submitter. Criteria: GeneDx Variant Classification Process June 2021. Collection method: clinical testing. Allele origin: germline. Affected: yes.

Labcorp Genetics (formerly Invitae), Labcorp
Classification: Uncertain significance for Dilated cardiomyopathy 1G; Autosomal recessive limb-girdle muscular dystrophy type 2J. Last evaluated: 2017-12-12. Review status: criteria provided, single submitter. Criteria: Invitae Variant Classification Sherloc (09022015). Collection method: clinical testing. Allele origin: germline.

Biesecker Lab/Clinical Genomics Section, National Institutes of Health
Classification: Uncertain significance. Last evaluated: 2013-06-24. Review status: criteria provided, single submitter. Criteria: Ng et al. (Circ Cardiovasc Genet. 2013). Collection method: research. Allele origin: unknown. Observed: 1 variant allele. Study: ClinSeq.
Comment: The study set was not selected for affection status in relation to any cancer. Pathogenicity categories were based on literature curation. See Pubmed ID:23861362 for details.

Medical sequencing

NM_001267550.2(TTN):c.14869A>C (p.Thr4957Pro)

Gene: TTN (titin; minus strand). Cytogenetic location: 2q31.2.
Variant type: single nucleotide variant.
Coding change: c.14869A>C on transcript NM_001267550.2 (MANE Select); coding-DNA position 14869, A replaced by C.
Protein change: p.Thr4957Pro; replaces threonine 4957 with proline.
Molecular consequence: missense variant. On other transcripts: intron variant (3).
Genome position (GRCh38, 1-based): chr2:178,735,577, T>G on the plus strand (A>C on the coding strand, the complement: TTN is on the minus strand). VCF-style: chr2-178735577-T-G. GRCh37 (hg19) VCF-style: chr2-179600304-T-G.
Other names: p.T4640P:ACC>CCC; c.13918A>C, p.Thr4640Pro (NM_001256850.1); c.11137A>C, p.Thr3713Pro (NM_133378.4); c.13282+2505A>C (NM_003319.4); c.13858+2505A>C (NM_133437.4); c.13657+2505A>C (NM_133432.3); short protein forms T3713P, T4957P, T4640P.
Identifiers: ClinVar variation 192033 (VCV000192033.27), dbSNP rs780405420, ClinGen allele CA302515.